The following is an entry in ClinVar:

NM_001182.5(ALDH7A1):c.813_814insAC (p.Phe272fs)

Gene: ALDH7A1 (aldehyde dehydrogenase 7 family member A1; minus strand). Cytogenetic location: 5q23.2.
Variant type: Insertion.
Coding change: c.813_814insAC on transcript NM_001182.5 (MANE Select); coding-DNA positions 813 to 814, AC inserted.
Protein change: p.Phe272fs; shifts the reading frame from phenylalanine 272.
Molecular consequence: frameshift variant.
Genome position: GRCh38 VCF-style: chr5-126568316-A-AGT. GRCh37 (hg19) VCF-style: chr5-125904008-A-AGT.
Other names: c.729_730insAC, p.Phe244fs (NM_001201377.2); c.813_814insAC, p.Phe272fs (NM_001202404.2); short protein forms F244fs, F272fs.
Identifiers: ClinVar variation 2008468 (VCV002008468.4), dbSNP rs2480298658, ClinGen allele CA2580072515.

ClinVar aggregate classification (germline): Pathogenic (1 of 4 stars; one submission).

Conditions:
Pyridoxine-dependent epilepsy (EPEO4). Also called: PYRIDOXINE DEPENDENCY WITH SEIZURES; Pyridoxine-Dependent Seizures; Pyridoxine-Dependent Epilepsy - ALDH7A1; EPILEPSY, EARLY-ONSET, 4, VITAMIN B6-DEPENDENT. Identifiers: Orphanet 3006, MedGen C1849508, MONDO:0009945, OMIM 266100. Disease mechanism: loss of function.

Submission:

Labcorp Genetics (formerly Invitae), Labcorp
Classification: Pathogenic for Pyridoxine-dependent epilepsy. Last evaluated: 2022-06-25. Review status: criteria provided, single submitter. Criteria: Invitae Variant Classification Sherloc (09022015). Collection method: clinical testing. Allele origin: germline.
Comment: This variant has not been reported in the literature in individuals affected with ALDH7A1-related conditions. This variant is not present in population databases (gnomAD no frequency). This sequence change creates a premature translational stop signal (p.Phe272Thrfs*14) in the ALDH7A1 gene. It is expected to result in an absent or disrupted protein product. Loss-of-function variants in ALDH7A1 are known to be pathogenic (PMID: 16491085, 20554659). Algorithms developed to predict the effect of sequence changes on RNA splicing suggest that this variant may disrupt the consensus splice site. For these reasons, this variant has been classified as Pathogenic.

Literature cited by the submitters: PubMed 16491085; PubMed 20554659.